The following is an entry in ClinVar:

NM_000044.6(AR):c.2317G>A (p.Glu773Lys)

Gene: AR (androgen receptor; plus strand). Cytogenetic location: Xq12.
Variant type: single nucleotide variant.
Coding change: c.2317G>A on transcript NM_000044.6 (MANE Select); coding-DNA position 2317, G replaced by A.
Protein change: p.Glu773Lys; replaces glutamic acid 773 with lysine.
Molecular consequence: missense variant.
Genome position (GRCh38, 1-based): chrX:67,717,621, G>A. VCF-style: chrX-67717621-G-A. GRCh37 (hg19) VCF-style: chrX-66937463-G-A.
Other names: p.Glu773Lys; c.721G>A, p.Glu241Lys (NM_001011645.3); short protein forms E241K, E773K.
Identifiers: ClinVar variation 2507021 (VCV002507021.2), dbSNP rs2147531195, ClinGen allele CA413424806.
Genomic context (GRCh38, chrX:67,717,621, plus strand): 5'-CGATCCTTCACCAATGTCAACTCCAGGATGCTCTACTTCGCCCCTGATCTGGTTTTCAAT[G>A]AGTAAGTGCTCCTGGGGCCCAGACCTCACTAAAATACAGCAGCTTGGCCAGACCTGGTTG-3'
Protein context (NP_000035.2, residues 763-783): LYFAPDLVFN[Glu773Lys]YRMHKSRMYS

ClinVar aggregate classification (germline): Likely pathogenic (1 of 4 stars; one submission).

Conditions:
Partial androgen insensitivity syndrome (PAIS). Also called: Reifenstein syndrome, partial; Androgen resistance syndrome, partial; Type I familial incomplete male pseudohermaphroditism; Partial Androgen Insensitivity Syndrome (PAIS); Reifenstein syndrome; Gynecomastia, familial. Identifiers: Orphanet 90797, MedGen C0268301, MONDO:0010720, OMIM 312300.

Submission:

Foundation for Research in Genetics and Endocrinology, FRIGE's Institute of Human Genetics
Classification: Likely pathogenic for Partial androgen insensitivity syndrome. Review status: criteria provided, single submitter. Criteria: ACMG Guidelines, 2015. Collection method: clinical testing. Allele origin: germline. Inheritance: X-linked inheritance. Affected: yes. Observed: 1 hemizygote.
Comment: A hemizygous missense variant in exon 5 of the AR gene that results in the amino acid substitution of lysine for glutamine at codon 773. The variant has not been detected in 1000 genomes and gnomAD databases. The in-silico prediction of the variant is damaging by SIFT, LRT, MutationTaster2, MVP, CADD and REVEL. In summary, the variant meets our criteria to be classified as likely pathogenic.